The following is an entry in ClinVar:

ClinVar aggregate classification (germline): Uncertain significance. Review status: criteria provided, multiple submitters, no conflicts (2 of 4 stars). 2 submissions from 2 submitters: Uncertain significance (2). Last evaluated 2023-10-30.

Conditions:
Autosomal recessive severe congenital neutropenia due to CSF3R deficiency. Also called: Neutropenia, severe congenital, 7, autosomal recessive. Identifiers: Orphanet 420702, MedGen C4310764, MONDO:0014865, OMIM 617014.
Inborn genetic diseases. Identifiers: MedGen C0950123, MeSH D030342.

Allele frequency attached by ClinVar (database versions not stated): gnomAD exomes below 0.00001.

Submissions (2):

Ambry Genetics
Classification: Uncertain significance for Inborn genetic diseases. Last evaluated: 2023-10-30. Review status: criteria provided, single submitter. Criteria: Ambry Variant Classification Scheme 2023. Collection method: clinical testing. Allele origin: germline.

Labcorp Genetics (formerly Invitae), Labcorp
Classification: Uncertain significance for Autosomal recessive severe congenital neutropenia due to CSF3R deficiency. Last evaluated: 2021-12-09. Review status: criteria provided, single submitter. Criteria: Invitae Variant Classification Sherloc (09022015). Collection method: clinical testing. Allele origin: germline.
Comment: In summary, the available evidence is currently insufficient to determine the role of this variant in disease. Therefore, it has been classified as a Variant of Uncertain Significance. Algorithms developed to predict the effect of missense changes on protein structure and function (SIFT, PolyPhen-2, Align-GVGD) all suggest that this variant is likely to be tolerated. This variant has not been reported in the literature in individuals affected with CSF3R-related conditions. This variant is not present in population databases (gnomAD no frequency). This sequence change replaces glutamic acid, which is acidic and polar, with lysine, which is basic and polar, at codon 149 of the CSF3R protein (p.Glu149Lys).

NM_000760.4(CSF3R):c.445G>A (p.Glu149Lys)

Gene: CSF3R (colony stimulating factor 3 receptor; minus strand). Cytogenetic location: 1p34.3.
Variant type: single nucleotide variant.
Coding change: c.445G>A on transcript NM_000760.4 (MANE Select); coding-DNA position 445, G replaced by A.
Protein change: p.Glu149Lys; replaces glutamic acid 149 with lysine.
Molecular consequence: missense variant.
Genome position (GRCh38, 1-based): chr1:36,473,804, C>T on the plus strand (G>A on the coding strand, the complement: CSF3R is on the minus strand). VCF-style: chr1-36473804-C-T. GRCh37 (hg19) VCF-style: chr1-36939405-C-T.
Other names: c.445G>A, p.Glu149Lys (NM_156039.3, NM_172313.3); c.445G>A (NM_000760.3); short protein forms E149K.
Identifiers: ClinVar variation 1351985 (VCV001351985.7), dbSNP rs2124129371, ClinGen allele CA339424019.
Genomic context (GRCh38, chr1:36,473,804, plus strand): 5'-AGGTGGGGGCCCCTCCTCACTTGAAACTCTTCAGAGTGAAGCTGGTGGGTAGGTGGGTCT[C>T]AGGTCCTGGCTCCCACTGGCAGATGAGGCTGCTGGTTGTGAGGTTCATGAGGCAGGAGAG-3'
Protein context (NP_000751.1, residues 139-159): SLICQWEPGP[Glu149Lys]THLPTSFTLK